The following is an entry in ClinVar:

NM_001365276.2(TNXB):c.6314G>C (p.Gly2105Ala)

Gene: TNXB (tenascin XB; minus strand). Cytogenetic location: 6p21.33.
Variant type: single nucleotide variant.
Coding change: c.6314G>C on transcript NM_001365276.2 (MANE Select); coding-DNA position 6314, G replaced by C.
Protein change: p.Gly2105Ala; replaces glycine 2105 with alanine.
Molecular consequence: missense variant.
Genome position (GRCh38, 1-based): chr6:32,067,891, C>G on the plus strand (G>C on the coding strand, the complement: TNXB is on the minus strand). VCF-style: chr6-32067891-C-G. GRCh37 (hg19) VCF-style: chr6-32035668-C-G.
Other names: p.Gly2105Ala; c.7055G>C, p.Gly2352Ala (NM_001428335.1); c.6314G>C, p.Gly2105Ala (NM_019105.8); short protein forms G2105A, G2352A.
Identifiers: ClinVar variation 3227301 (VCV003227301.3), dbSNP rs539429452, ClinGen allele CA3734466.

ClinVar aggregate classification (germline): Uncertain significance. Review status: criteria provided, multiple submitters, no conflicts (2 of 4 stars). 3 submissions from 3 submitters: Uncertain significance (3). Last evaluated 2025-10-18.

Conditions:
Cardiovascular phenotype. Identifiers: MedGen CN230736.

Allele frequency attached by ClinVar (database versions not stated): TOPMed 0.00002; gnomAD exomes 0.00009; 1000 Genomes Project 30x 0.00016; 1000 Genomes Project 0.00020; ExAC 0.00002; gnomAD 0.00002.
gnomAD v4.1: 136 of 1,612,768 alleles (0.0084%); highest among the groups gnomAD compares: Non-Finnish European, 0.011%; no homozygotes.

Submissions (3):

Mayo Clinic Laboratories, Mayo Clinic
Classification: Uncertain significance. Last evaluated: 2025-10-18. Review status: criteria provided, single submitter. Criteria: ACMG Guidelines, 2015. Collection method: clinical testing. Allele origin: germline. Observed: 1 variant allele.
Comment: BP4_moderate

Women's Health and Genetics/Laboratory Corporation of America, LabCorp
Classification: Uncertain significance. Last evaluated: 2024-12-30. Review status: criteria provided, single submitter. Criteria: LabCorp Variant Classification Summary - May 2015. Collection method: clinical testing. Allele origin: germline.
Comment: Variant summary: TNXB c.6314G>C (p.Gly2105Ala) results in a non-conservative amino acid change located in the Fibronectin type 3 domain (IPR003961) of the encoded protein sequence. Three of five in-silico tools predict a benign effect of the variant on protein function. The variant allele was found at a frequency of 1.6e-05 in 246390 control chromosomes. The available data on variant occurrences in the general population are insufficient to allow any conclusion about variant significance. To our knowledge, no occurrence of c.6314G>C in individuals affected with Ehlers-Danlos syndrome due to tenascin-X deficiency and no experimental evidence demonstrating its impact on protein function have been reported. ClinVar contains an entry for this variant (Variation ID: 3227301). Based on the evidence outlined above, the variant was classified as uncertain significance.

Ambry Genetics
Classification: Uncertain significance for Cardiovascular phenotype. Last evaluated: 2023-12-14. Review status: criteria provided, single submitter. Criteria: Ambry Variant Classification Scheme 2023. Collection method: clinical testing. Allele origin: germline.
Comment: The p.G2105A variant (also known as c.6314G>C), located in coding exon 17 of the TNXB gene, results from a G to C substitution at nucleotide position 6314. The glycine at codon 2105 is replaced by alanine, an amino acid with similar properties. This amino acid position is conserved. In addition, this alteration is predicted to be tolerated by in silico analysis. Since supporting evidence is limited at this time, the clinical significance of this alteration remains unclear.